The following is an entry in ClinVar:

ClinVar aggregate classification (germline): Uncertain significance (1 of 4 stars; one submission).

Conditions:
Hereditary pancreatitis (PCTT). Also called: Hereditary chronic pancreatitis; PRSS1-Related Hereditary Pancreatitis. Identifiers: Orphanet 676, MedGen C0238339, MONDO:0008185, OMIM 167800.

Submission:

Ambry Genetics
Classification: Uncertain significance for Hereditary pancreatitis. Last evaluated: 2022-03-02. Review status: criteria provided, single submitter. Criteria: Ambry Variant Classification Scheme 2023. Collection method: clinical testing. Allele origin: germline.
Comment: The p.E172D variant (also known as c.516A>C), located in coding exon 4 of the PRSS1 gene, results from an A to C substitution at nucleotide position 516. The glutamic acid at codon 172 is replaced by aspartic acid, an amino acid with highly similar properties. This amino acid position is conserved. In addition, this alteration is predicted to be tolerated by in silico analysis. Since supporting evidence is limited at this time, the clinical significance of this alteration remains unclear.

NM_002769.5(PRSS1):c.516A>C (p.Glu172Asp)

Genes: PRSS1 (serine protease 1; plus strand), TRB (T cell receptor beta locus; plus strand). Cytogenetic location: 7q34.
Variant type: single nucleotide variant.
Coding change: c.516A>C on transcript NM_002769.5 (MANE Select); coding-DNA position 516, A replaced by C.
Protein change: p.Glu172Asp; replaces glutamic acid 172 with aspartic acid.
Molecular consequence: missense variant. On other transcripts: non-coding transcript variant (5).
Genome position (GRCh38, 1-based): chr7:142,752,492, A>C. VCF-style: chr7-142752492-A-C. GRCh37 (hg19) VCF-style: chr7-142460343-A-C.
Other names: short protein forms E172D.
Identifiers: ClinVar variation 1745768 (VCV001745768.2), dbSNP rs1229614511, ClinGen allele CA369609605.